The following is an entry in ClinVar:

ClinVar aggregate classification (germline): Uncertain significance (1 of 4 stars; one submission).

Conditions:
Nemaline myopathy 6 (NEM6). Also called: Nemaline myopathy 6, autosomal dominant. Identifiers: Orphanet 171439, MedGen C1836472, MONDO:0012237, OMIM 609273.

gnomAD v4.1: 3 of 1,607,228 alleles (0.00019%); highest among the groups gnomAD compares: South Asian, 0.0022%; no homozygotes.

Submission:

Labcorp Genetics (formerly Invitae), Labcorp
Classification: Uncertain significance for Nemaline myopathy 6. Last evaluated: 2024-10-15. Review status: criteria provided, single submitter. Criteria: Invitae Variant Classification Sherloc (09022015). Collection method: clinical testing. Allele origin: germline.
Comment: This sequence change replaces arginine, which is basic and polar, with cysteine, which is neutral and slightly polar, at codon 338 of the KBTBD13 protein (p.Arg338Cys). The frequency data for this variant in the population databases is considered unreliable, as metrics indicate poor data quality at this position in the gnomAD database. This variant has not been reported in the literature in individuals affected with KBTBD13-related conditions. Invitae Evidence Modeling of protein sequence and biophysical properties (such as structural, functional, and spatial information, amino acid conservation, physicochemical variation, residue mobility, and thermodynamic stability) has been performed for this missense variant. However, the output from this modeling did not meet the statistical confidence thresholds required to predict the impact of this variant on KBTBD13 protein function. In summary, the available evidence is currently insufficient to determine the role of this variant in disease. Therefore, it has been classified as a Variant of Uncertain Significance.

NM_001101362.3(KBTBD13):c.1012C>T (p.Arg338Cys)

Gene: KBTBD13 (kelch repeat and BTB domain containing 13; plus strand). Cytogenetic location: 15q22.31.
Variant type: single nucleotide variant.
Coding change: c.1012C>T on transcript NM_001101362.3 (MANE Select); coding-DNA position 1012, C replaced by T.
Protein change: p.Arg338Cys; replaces arginine 338 with cysteine.
Molecular consequence: missense variant.
Genome position (GRCh38, 1-based): chr15:65,077,827, C>T. VCF-style: chr15-65077827-C-T. GRCh37 (hg19) VCF-style: chr15-65370165-C-T.
Other names: short protein forms R338C.
Identifiers: ClinVar variation 3711278 (VCV003711278.2).
Genomic context (GRCh38, chr15:65,077,827, plus strand): 5'-ACCGCCGTGGTGGAGTACGCAGTGCGGACCGACGCGTGGCTGCCAGTGGCCGAGCTGCGG[C>T]GTCCGCAGAGCTATGGCCACTGCATGGTGGCCCACCGCGACAGCCTCTATGTGGTGCGCA-3'
Protein context (NP_001094832.1, residues 328-348): DAWLPVAELR[Arg338Cys]PQSYGHCMVA